The following is an entry in ClinVar:

NM_198271.5(LMOD3):c.656A>G (p.Lys219Arg)

Gene: LMOD3 (leiomodin 3; minus strand). Cytogenetic location: 3p14.1.
Variant type: single nucleotide variant.
Coding change: c.656A>G on transcript NM_198271.5 (MANE Select); coding-DNA position 656, A replaced by G.
Protein change: p.Lys219Arg; replaces lysine 219 with arginine.
Molecular consequence: missense variant.
Genome position (GRCh38, 1-based): chr3:69,119,699, T>C on the plus strand (A>G on the coding strand, the complement: LMOD3 is on the minus strand). VCF-style: chr3-69119699-T-C. GRCh37 (hg19) VCF-style: chr3-69168850-T-C.
Other names: c.656A>G, p.Lys219Arg (NM_001304418.3); short protein forms K219R.
Identifiers: ClinVar variation 579623 (VCV000579623.5), dbSNP rs190038977, ClinGen allele CA353475440.

ClinVar aggregate classification (germline): Uncertain significance (1 of 4 stars; one submission).

Conditions:
Nemaline myopathy 10 (NEM10). Identifiers: MedGen C4015360, MONDO:0014513, OMIM 616165.

Allele frequency attached by ClinVar (database versions not stated): gnomAD exomes below 0.00001; TOPMed below 0.00001; gnomAD 0.00001.
gnomAD v4.1: 2 of 1,613,854 alleles (0.00012%); highest among the groups gnomAD compares: Non-Finnish European, 0.00017%; no homozygotes.

Submission:

Labcorp Genetics (formerly Invitae), Labcorp
Classification: Uncertain significance for Nemaline myopathy 10. Last evaluated: 2020-03-07. Review status: criteria provided, single submitter. Criteria: Invitae Variant Classification Sherloc (09022015). Collection method: clinical testing. Allele origin: germline.
Comment: This variant is not present in population databases (ExAC no frequency). In summary, the available evidence is currently insufficient to determine the role of this variant in disease. Therefore, it has been classified as a Variant of Uncertain Significance. Algorithms developed to predict the effect of missense changes on protein structure and function do not agree on the potential impact of this missense change (SIFT: "Deleterious"; PolyPhen-2: "Possibly Damaging"; Align-GVGD: "Class C0"). This variant has not been reported in the literature in individuals with LMOD3-related disease. This sequence change replaces lysine with arginine at codon 219 of the LMOD3 protein (p.Lys219Arg). The lysine residue is highly conserved and there is a small physicochemical difference between lysine and arginine.